The following is an entry in ClinVar:

ClinVar aggregate classification (germline): Uncertain significance. Review status: criteria provided, multiple submitters, no conflicts (2 of 4 stars). 2 submissions from 2 submitters: Uncertain significance (2). Last evaluated 2023-07-19.

Conditions:
Inborn genetic diseases. Identifiers: MedGen C0950123, MeSH D030342.

Allele frequency attached by ClinVar (database versions not stated): ExAC 0.00001; gnomAD exomes 0.00001.
gnomAD v4.1: 18 of 1,611,986 alleles (0.0011%); highest among the groups gnomAD compares: South Asian, 0.019%; no homozygotes.

Submissions (2):

Labcorp Genetics (formerly Invitae), Labcorp
Classification: Uncertain significance. Last evaluated: 2023-07-19. Review status: criteria provided, single submitter. Criteria: Invitae Variant Classification Sherloc (09022015). Collection method: clinical testing. Allele origin: germline.
Comment: This sequence change replaces leucine, which is neutral and non-polar, with proline, which is neutral and non-polar, at codon 609 of the PDE6A protein (p.Leu609Pro). This variant is present in population databases (rs770246880, gnomAD 0.01%). This variant has not been reported in the literature in individuals affected with PDE6A-related conditions. ClinVar contains an entry for this variant (Variation ID: 1972537). Advanced modeling of protein sequence and biophysical properties (such as structural, functional, and spatial information, amino acid conservation, physicochemical variation, residue mobility, and thermodynamic stability) performed at Invitae indicates that this missense variant is expected to disrupt PDE6A protein function. In summary, the available evidence is currently insufficient to determine the role of this variant in disease. Therefore, it has been classified as a Variant of Uncertain Significance.

Ambry Genetics
Classification: Uncertain significance for Inborn genetic diseases. Last evaluated: 2021-07-09. Review status: criteria provided, single submitter. Criteria: Ambry Variant Classification Scheme 2023. Collection method: clinical testing. Allele origin: germline.

NM_000440.3(PDE6A):c.1826T>C (p.Leu609Pro)

Gene: PDE6A (phosphodiesterase 6A; minus strand). Cytogenetic location: 5q32.
Variant type: single nucleotide variant.
Coding change: c.1826T>C on transcript NM_000440.3 (MANE Select); coding-DNA position 1826, T replaced by C.
Protein change: p.Leu609Pro; replaces leucine 609 with proline.
Molecular consequence: missense variant.
Genome position (GRCh38, 1-based): chr5:149,886,277, A>G on the plus strand (T>C on the coding strand, the complement: PDE6A is on the minus strand). VCF-style: chr5-149886277-A-G. GRCh37 (hg19) VCF-style: chr5-149265840-A-G.
Other names: c.1583T>C, p.Leu528Pro (NM_001410788.1); short protein forms L528P, L609P.
Identifiers: ClinVar variation 1972537 (VCV001972537.6), dbSNP rs770246880, ClinGen allele CA3504528.